The following is an entry in ClinVar:

NM_015512.5(DNAH1):c.233G>A (p.Arg78Gln)

Gene: DNAH1 (dynein axonemal heavy chain 1; plus strand). Cytogenetic location: 3p21.1.
Variant type: single nucleotide variant.
Coding change: c.233G>A on transcript NM_015512.5 (MANE Select); coding-DNA position 233, G replaced by A.
Protein change: p.Arg78Gln; replaces arginine 78 with glutamine.
Molecular consequence: missense variant.
Genome position (GRCh38, 1-based): chr3:52,322,675, G>A. VCF-style: chr3-52322675-G-A. GRCh37 (hg19) VCF-style: chr3-52356691-G-A.
Other names: short protein forms R78Q.
Identifiers: ClinVar variation 1428969 (VCV001428969.6), dbSNP rs750191626, ClinGen allele CA74750919.

ClinVar aggregate classification (germline): Uncertain significance (1 of 4 stars; one submission).

Conditions:
Spermatogenic failure 18. Identifiers: MedGen C4539783, MONDO:0054615, OMIM 617576.
Ciliary dyskinesia, primary, 37 (CILD37). Also called: CILIARY DYSKINESIA, PRIMARY, 37, WITH OR WITHOUT SITUS INVERSUS. Identifiers: MedGen C4539798, MONDO:0033204, OMIM 617577.

Allele frequency attached by ClinVar (database versions not stated): gnomAD exomes 0.00002 and 0.00003; gnomAD 0.00003; TOPMed 0.00003.
gnomAD v4.1: 53 of 1,613,660 alleles (0.0033%); highest among the groups gnomAD compares: Middle Eastern, 0.016%; no homozygotes.

Submission:

Labcorp Genetics (formerly Invitae), Labcorp
Classification: Uncertain significance for Ciliary dyskinesia, primary, 37; Spermatogenic failure 18. Last evaluated: 2022-02-14. Review status: criteria provided, single submitter. Criteria: Invitae Variant Classification Sherloc (09022015). Collection method: clinical testing. Allele origin: germline.
Comment: Algorithms developed to predict the effect of missense changes on protein structure and function output the following: SIFT: "Tolerated"; PolyPhen-2: "Benign"; Align-GVGD: "Class C0". The glutamine amino acid residue is found in multiple mammalian species, which suggests that this missense change does not adversely affect protein function. This variant has not been reported in the literature in individuals affected with DNAH1-related conditions. This variant is present in population databases (rs750191626, gnomAD 0.004%). This sequence change replaces arginine, which is basic and polar, with glutamine, which is neutral and polar, at codon 78 of the DNAH1 protein (p.Arg78Gln). In summary, the available evidence is currently insufficient to determine the role of this variant in disease. Therefore, it has been classified as a Variant of Uncertain Significance.